The following is an entry in ClinVar:

NM_004525.3(LRP2):c.7798C>T (p.Leu2600Phe)

Gene: LRP2 (LDL receptor related protein 2; minus strand). Cytogenetic location: 2q31.1.
Variant type: single nucleotide variant.
Coding change: c.7798C>T on transcript NM_004525.3 (MANE Select); coding-DNA position 7798, C replaced by T.
Protein change: p.Leu2600Phe; replaces leucine 2600 with phenylalanine.
Molecular consequence: missense variant.
Genome position (GRCh38, 1-based): chr2:169,204,189, G>A on the plus strand (C>T on the coding strand, the complement: LRP2 is on the minus strand). VCF-style: chr2-169204189-G-A. GRCh37 (hg19) VCF-style: chr2-170060699-G-A.
Other names: short protein forms L2600F.
Identifiers: ClinVar variation 3686720 (VCV003686720.2).
Genomic context (GRCh38, chr2:169,204,189, plus strand): 5'-TGTTAGCTCGGTAAATTCTTTGTGTGTACAAGTCAGTCCAGTAAATATACTGGCCATAGA[G>A]AGTCAAGCCAAAAGCATGAACGGCTGCATTGACAATGACTTCACGATCCACGCCCGTCAG-3'
Protein context (NP_004516.2, residues 2590-2610): NAAVHAFGLT[Leu2600Phe]YGQYIYWTDL

ClinVar aggregate classification (germline): Uncertain significance (1 of 4 stars; one submission).

Submission:

Labcorp Genetics (formerly Invitae), Labcorp
Classification: Uncertain significance. Last evaluated: 2024-10-22. Review status: criteria provided, single submitter. Criteria: Invitae Variant Classification Sherloc (09022015). Collection method: clinical testing. Allele origin: germline.
Comment: This sequence change replaces leucine, which is neutral and non-polar, with phenylalanine, which is neutral and non-polar, at codon 2600 of the LRP2 protein (p.Leu2600Phe). This variant is not present in population databases (gnomAD no frequency). This variant has not been reported in the literature in individuals affected with LRP2-related conditions. Invitae Evidence Modeling of protein sequence and biophysical properties (such as structural, functional, and spatial information, amino acid conservation, physicochemical variation, residue mobility, and thermodynamic stability) indicates that this missense variant is not expected to disrupt LRP2 protein function with a negative predictive value of 80%. In summary, the available evidence is currently insufficient to determine the role of this variant in disease. Therefore, it has been classified as a Variant of Uncertain Significance.